The following is an entry in ClinVar:

NM_000709.4(BCKDHA):c.276C>T (p.Ser92=)

Gene: BCKDHA (branched chain keto acid dehydrogenase E1 subunit alpha; plus strand). Cytogenetic location: 19q13.2.
Variant type: single nucleotide variant.
Coding change: c.276C>T on transcript NM_000709.4 (MANE Select); coding-DNA position 276, C replaced by T.
Protein change: p.Ser92=; no amino-acid change (serine 92 retained).
Molecular consequence: synonymous variant.
Genome position (GRCh38, 1-based): chr19:41,410,804, C>T. VCF-style: chr19-41410804-C-T. GRCh37 (hg19) VCF-style: chr19-41916709-C-T.
Other names: c.276C>T, p.Ser92= (NM_001164783.2).
Identifiers: ClinVar variation 2199986 (VCV002199986.1), dbSNP rs372195607, ClinGen allele CA9461039.

ClinVar aggregate classification (germline): Uncertain significance (1 of 4 stars; one submission).

Conditions:
Maple syrup urine disease (MSUD). Identifiers: Orphanet 511, MedGen C0024776, MeSH D008375, MONDO:0009563. Disease mechanism: loss of function.

Allele frequency attached by ClinVar (database versions not stated): ExAC 0.00002; TOPMed 0.00004; gnomAD 0.00005; ESP Exome Variant Server 0.00008.
gnomAD v4.1: 51 of 1,614,032 alleles (0.0032%); highest among the groups gnomAD compares: East Asian, 0.013%; no homozygotes.

Submission:

Labcorp Genetics (formerly Invitae), Labcorp
Classification: Uncertain significance for Maple syrup urine disease. Last evaluated: 2022-05-23. Review status: criteria provided, single submitter. Criteria: Invitae Variant Classification Sherloc (09022015). Collection method: clinical testing. Allele origin: germline.
Comment: This sequence change affects codon 92 of the BCKDHA mRNA. It is a 'silent' change, meaning that it does not change the encoded amino acid sequence of the BCKDHA protein. This variant is present in population databases (rs372195607, gnomAD 0.02%). This variant has not been reported in the literature in individuals affected with BCKDHA-related conditions. Algorithms developed to predict the effect of sequence changes on RNA splicing suggest that this variant may create or strengthen a splice site. In summary, the available evidence is currently insufficient to determine the role of this variant in disease. Therefore, it has been classified as a Variant of Uncertain Significance.